The following is an entry in ClinVar:

NM_022489.4(INF2):c.2611-3dup

Gene: INF2 (inverted formin 2; plus strand). Cytogenetic location: 14q32.33.
Variant type: Duplication.
Coding change: c.2611-3dup on transcript NM_022489.4 (MANE Select); 3 bases into the intron before coding-DNA position 2611, one base duplicated (C; older notation c.2611-3dupC).
Molecular consequence: intron variant.
Genome position (GRCh38, 1-based): chr14:104,712,825, C duplicated; the last of 5 consecutive C bases (chr14:104,712,821-104,712,825); duplicating any one gives the same sequence. VCF-style (leftmost placement, unchanged base first): chr14-104712820-G-GC. GRCh37 (hg19) VCF-style: chr14-105179157-G-GC.
Other names: c.2611-3dup (NM_001031714.4).
Identifiers: ClinVar variation 1793801 (VCV001793801.2), dbSNP rs2541944707, ClinGen allele CA2580088539.

ClinVar aggregate classification (germline): Uncertain significance (1 of 4 stars; one submission).

Conditions:
Inborn genetic diseases. Identifiers: MedGen C0950123, MeSH D030342.

Submission:

Ambry Genetics
Classification: Uncertain significance for Inborn genetic diseases. Last evaluated: 2020-03-12. Review status: criteria provided, single submitter. Criteria: Ambry Variant Classification Scheme 2023. Collection method: clinical testing. Allele origin: germline.
Comment: The c.2611-3dupC intronic variant results from a duplication of C at three nucleotides upstream from coding exon 17 of the INF2 gene. This nucleotide position is well conserved in available vertebrate species. Using the BDGP and ESEfinder splice site prediction tools, this alteration is not predicted to have any significant effect on this splice acceptor site; however, direct evidence is unavailable. Since supporting evidence is limited at this time, the clinical significance of this alteration remains unclear.